The following is an entry in ClinVar:

ClinVar aggregate classification (germline): Uncertain significance. Review status: criteria provided, multiple submitters, no conflicts (2 of 4 stars). 2 submissions from 2 submitters: Uncertain significance (2). Last evaluated 2025-06-21.

Conditions:
Gastrointestinal stromal tumor. Also called: Gastrointestinal stromal tumor, somatic; Gastrointestinal stroma tumor. Identifiers: Orphanet 44890, MedGen C0238198, MeSH D046152, MONDO:0011719, OMIM 606764, HP:0100723.
Hereditary cancer-predisposing syndrome. Also called: Tumor predisposition; Neoplastic Syndromes, Hereditary; Hereditary neoplastic syndrome; Hereditary Cancer Syndrome. Identifiers: Orphanet 140162, MedGen C0027672, MeSH D009386, MONDO:0015356.

Allele frequency attached by ClinVar (database versions not stated): gnomAD 0.00001.
gnomAD v4.1: 1 of 1,614,098 alleles (0.000062%); highest among the groups gnomAD compares: African/African-American, 0.0013%; no homozygotes.

Submissions (2):

Ambry Genetics
Classification: Uncertain significance for Hereditary cancer-predisposing syndrome. Last evaluated: 2025-06-21. Review status: criteria provided, single submitter. Criteria: Ambry Variant Classification Scheme 2023. Collection method: clinical testing. Allele origin: germline.
Comment: The p.I317V variant (also known as c.949A>G), located in coding exon 6 of the PDGFRA gene, results from an A to G substitution at nucleotide position 949. The isoleucine at codon 317 is replaced by valine, an amino acid with highly similar properties. This amino acid position is conserved. In addition, this alteration is predicted to be tolerated by in silico analysis. Since supporting evidence is limited at this time, the clinical significance of this alteration remains unclear.

Labcorp Genetics (formerly Invitae), Labcorp
Classification: Uncertain significance for Gastrointestinal stromal tumor. Last evaluated: 2021-10-25. Review status: criteria provided, single submitter. Criteria: Invitae Variant Classification Sherloc (09022015). Collection method: clinical testing. Allele origin: germline.
Comment: In summary, the available evidence is currently insufficient to determine the role of this variant in disease. Therefore, it has been classified as a Variant of Uncertain Significance. Algorithms developed to predict the effect of missense changes on protein structure and function (SIFT, PolyPhen-2, Align-GVGD) all suggest that this variant is likely to be tolerated. This variant has not been reported in the literature in individuals affected with PDGFRA-related conditions. This variant is not present in population databases (ExAC no frequency). This sequence change replaces isoleucine with valine at codon 317 of the PDGFRA protein (p.Ile317Val). The isoleucine residue is moderately conserved and there is a small physicochemical difference between isoleucine and valine.

NM_006206.6(PDGFRA):c.949A>G (p.Ile317Val)

Gene: PDGFRA (platelet derived growth factor receptor alpha; plus strand). Cytogenetic location: 4q12.
Variant type: single nucleotide variant.
Coding change: c.949A>G on transcript NM_006206.6 (MANE Select); coding-DNA position 949, A replaced by G.
Protein change: p.Ile317Val; replaces isoleucine 317 with valine.
Molecular consequence: missense variant.
Genome position (GRCh38, 1-based): chr4:54,267,569, A>G. VCF-style: chr4-54267569-A-G. GRCh37 (hg19) VCF-style: chr4-55133736-A-G.
Other names: c.949A>G (NM_006206.4); c.949A>G, p.Ile317Val (NM_001347827.2, NM_001347829.2); c.1024A>G, p.Ile342Val (NM_001347828.2); c.988A>G, p.Ile330Val (NM_001347830.2); short protein forms I317V, I330V, I342V.
Identifiers: ClinVar variation 1060816 (VCV001060816.10), dbSNP rs1723108515, ClinGen allele CA356891472.
Genomic context (GRCh38, chr4:54,267,569, plus strand): 5'-ATATGTGGTAATCATTATTTAATGGAAACTCTTCCCTGTACAGAGAAAGGTTTCATTGAA[A>G]TCAAACCCACCTTCAGCCAGTTGGAAGCTGTCAACCTGCATGAAGTCAAACATTTTGTTG-3'
Protein context (NP_006197.1, residues 307-327): ISVHEKGFIE[Ile317Val]KPTFSQLEAV